The following is an entry in ClinVar:

ClinVar aggregate classification (germline): Conflicting classifications of pathogenicity. Review status: criteria provided, conflicting classifications (1 of 4 stars). 3 submissions from 3 submitters: Uncertain significance (2); Likely benign (1). Last evaluated 2025-04-07.

Conditions:
Inborn genetic diseases. Identifiers: MedGen C0950123, MeSH D030342.

Allele frequency attached by ClinVar (database versions not stated): TOPMed 0.00002; ExAC 0.00003; gnomAD 0.00003; gnomAD exomes 0.00003.

Submissions (3):

Labcorp Genetics (formerly Invitae), Labcorp
Classification: Uncertain significance. Last evaluated: 2025-04-07. Review status: criteria provided, single submitter. Criteria: Invitae Variant Classification Sherloc (09022015). Collection method: clinical testing. Allele origin: germline.
Comment: This sequence change replaces arginine, which is basic and polar, with cysteine, which is neutral and slightly polar, at codon 356 of the NYX protein (p.Arg356Cys). This variant is present in population databases (rs774830136, gnomAD 0.006%). This variant has not been reported in the literature in individuals affected with NYX-related conditions. ClinVar contains an entry for this variant (Variation ID: 943788). Invitae Evidence Modeling of protein sequence and biophysical properties (such as structural, functional, and spatial information, amino acid conservation, physicochemical variation, residue mobility, and thermodynamic stability) indicates that this missense variant is not expected to disrupt NYX protein function with a negative predictive value of 80%. In summary, the available evidence is currently insufficient to determine the role of this variant in disease. Therefore, it has been classified as a Variant of Uncertain Significance.

Blueprint Genetics
Classification: Likely benign. Last evaluated: 2024-10-09. Review status: criteria provided, single submitter. Criteria: ACMG Guidelines, 2015. Collection method: clinical testing. Allele origin: germline.

Ambry Genetics
Classification: Uncertain significance for Inborn genetic diseases. Last evaluated: 2023-12-28. Review status: criteria provided, single submitter. Criteria: Ambry Variant Classification Scheme 2023. Collection method: clinical testing. Allele origin: germline.

NM_001378477.3(NYX):c.1051C>T (p.Arg351Cys)

Gene: NYX (nyctalopin; plus strand). Cytogenetic location: Xp11.4.
Variant type: single nucleotide variant.
Coding change: c.1051C>T on transcript NM_001378477.3 (MANE Select); coding-DNA position 1051, C replaced by T.
Protein change: p.Arg351Cys; replaces arginine 351 with cysteine.
Molecular consequence: missense variant.
Genome position (GRCh38, 1-based): chrX:41,474,519, C>T. VCF-style: chrX-41474519-C-T. GRCh37 (hg19) VCF-style: chrX-41333772-C-T.
Other names: c.1051C>T, p.Arg351Cys (NM_022567.3); short protein forms R356C, R351C.
Identifiers: ClinVar variation 943788 (VCV000943788.8), dbSNP rs774830136, ClinGen allele CA10389902.
Genomic context (GRCh38, chrX:41,474,519, plus strand): 5'-AACCCGTGGTGCTGCGACTGCCGTCTGGAGTGGCTGAGGGACTGGATGGAGGGCTCCGGA[C>T]GTGTCACCGACGTGCCGTGCGCCTCCCCGGGCTCCGTGGCCGGCCTGGACCTCAGCCAGG-3'
Protein context (NP_001365406.2, residues 341-361): WLRDWMEGSG[Arg351Cys]VTDVPCASPG